The following is an entry in ClinVar:

ClinVar aggregate classification (germline): Uncertain significance (1 of 4 stars; one submission).

Allele frequency attached by ClinVar (database versions not stated): ExAC 0.00001.
gnomAD v4.1: 7 of 1,614,150 alleles (0.00043%); highest among the groups gnomAD compares: Admixed American, 0.005%; no homozygotes.

Submission:

Labcorp Genetics (formerly Invitae), Labcorp
Classification: Uncertain significance. Last evaluated: 2025-03-31. Review status: criteria provided, single submitter. Criteria: Invitae Variant Classification Sherloc (09022015). Collection method: clinical testing. Allele origin: germline.
Comment: This sequence change replaces isoleucine, which is neutral and non-polar, with methionine, which is neutral and non-polar, at codon 61 of the RFWD3 protein (p.Ile61Met). This variant is present in population databases (rs765959834, gnomAD 0.006%). This variant has not been reported in the literature in individuals affected with RFWD3-related conditions. ClinVar contains an entry for this variant (Variation ID: 2895352). An algorithm developed to predict the effect of missense changes on protein structure and function (PolyPhen-2) suggests that this variant is likely to be tolerated. In summary, the available evidence is currently insufficient to determine the role of this variant in disease. Therefore, it has been classified as a Variant of Uncertain Significance.

NM_018124.4(RFWD3):c.183C>G (p.Ile61Met)

Gene: RFWD3 (ring finger and WD repeat domain 3; minus strand). Cytogenetic location: 16q23.1.
Variant type: single nucleotide variant.
Coding change: c.183C>G on transcript NM_018124.4 (MANE Select); coding-DNA position 183, C replaced by G.
Protein change: p.Ile61Met; replaces isoleucine 61 with methionine.
Molecular consequence: missense variant. On other transcripts: 5 prime UTR variant (4), intron variant (1).
Genome position (GRCh38, 1-based): chr16:74,661,267, G>C on the plus strand (C>G on the coding strand, the complement: RFWD3 is on the minus strand). VCF-style: chr16-74661267-G-C. GRCh37 (hg19) VCF-style: chr16-74695165-G-C.
Other names: c.183C>G, p.Ile61Met (NM_001370534.1, NM_001370535.1, NM_001370536.1); c.-826C>G (NM_001370537.1); c.-449C>G (NM_001370539.1, NM_001370541.1); c.-703C>G (NM_001370542.1); c.-581C>G (NM_001370543.1); c.-317+3357C>G (NM_001370540.1); short protein forms I61M.
Identifiers: ClinVar variation 2895352 (VCV002895352.3), dbSNP rs765959834, ClinGen allele CA8169629.